The following is an entry in ClinVar:

ClinVar aggregate classification (germline): Uncertain significance. Review status: criteria provided, multiple submitters, no conflicts (2 of 4 stars). 3 submissions from 3 submitters: Uncertain significance (3). Last evaluated 2025-11-17.

Conditions:
OTOA-related disorder. Also called: OTOA-related condition.
Inborn genetic diseases. Identifiers: MedGen C0950123, MeSH D030342.

Allele frequency attached by ClinVar (database versions not stated): gnomAD 0.00008; ExAC 0.00013.

Submissions (3):

Women's Health and Genetics/Laboratory Corporation of America, LabCorp
Classification: Uncertain significance. Last evaluated: 2025-11-17. Review status: criteria provided, single submitter. Criteria: LabCorp Variant Classification Summary - May 2015. Collection method: clinical testing. Allele origin: germline.
Comment: Variant summary: OTOA c.3079C>T (p.Arg1027Trp) results in a non-conservative amino acid change in the encoded protein sequence. Algorithms developed to predict the effect of missense changes on protein structure and function are either unavailable or do not agree on the potential impact of this missense change. The variant allele was found at a frequency of 8.4e-05 in 225422 control chromosomes. This frequency is not significantly higher than estimated for disease-causing variants in OTOA, allowing no conclusion about variant significance. c.3079C>T has been observed in the heterozygous state in at least 1 individual(s) affected with deafness, without strong evidence for causality (example, Tlili_2024). These report(s) do not provide unequivocal conclusions about association of the variant with Autosomal Recessive Nonsyndromic Hearing Loss 22. To our knowledge, no experimental evidence demonstrating an impact on protein function has been reported. The following publication have been ascertained in the context of this evaluation (PMID: 38844983). ClinVar contains an entry for this variant (Variation ID: 2596360). Based on the evidence outlined above, the variant was classified as uncertain significance.

PreventionGenetics, part of Exact Sciences
Classification: Uncertain significance for OTOA-related condition. Last evaluated: 2025-08-31. Review status: criteria provided, single submitter. Criteria: ACMG Guidelines, 2015. Collection method: clinical testing. Allele origin: germline.
Comment: The OTOA c.3079C>T variant is predicted to result in the amino acid substitution p.Arg1027Trp. This variant was reported in heterozygous state in an individual with hearing loss in the absence of a second OTOA variant and together with plausible variants in the OTOG and MYO7A genes (Table 3, Tlili et al. 2024. PubMed ID: 38844983). This variant is reported in 0.027% of alleles in individuals of East Asian descent in gnomAD. At this time, the clinical significance of this variant is uncertain due to the absence of conclusive functional and genetic evidence.

Ambry Genetics
Classification: Uncertain significance for Inborn genetic diseases. Last evaluated: 2023-06-29. Review status: criteria provided, single submitter. Criteria: Ambry Variant Classification Scheme 2023. Collection method: clinical testing. Allele origin: germline.

Literature cited by the submitters: PubMed 38844983 (cited by Women's Health and Genetics/Laboratory Corporation of America, LabCorp).

NM_144672.4(OTOA):c.3079C>T (p.Arg1027Trp)

Gene: OTOA (otoancorin). Cytogenetic location: 16p12.2.
Variant type: single nucleotide variant.
Coding change: c.3079C>T on transcript NM_144672.4 (MANE Select); coding-DNA position 3079, C replaced by T.
Protein change: p.Arg1027Trp; replaces arginine 1027 with tryptophan.
Molecular consequence: missense variant.
Genome position (GRCh38, 1-based): chr16:21,753,050, C>T. VCF-style: chr16-21753050-C-T. GRCh37 (hg19) VCF-style: chr16-21764371-C-T.
Other names: c.2842C>T, p.Arg948Trp (NM_001161683.2); c.2107C>T, p.Arg703Trp (NM_170664.3); short protein forms R1027W, R703W, R948W.
Identifiers: ClinVar variation 2596360 (VCV002596360.4), dbSNP rs752661980, ClinGen allele CA7953041.
Genomic context (GRCh38, chr16:21,753,050, plus strand): 5'-CTTGAACTAAACCCCCGTGATTCCTTTTTCTCCCCAGCTGGATTAACTAAGGCAGAGCTC[C>T]GGATGCTTGACAAGGATTTGATGCCATATTTCCAGCCATCAGCAATAAAATGCCTTCCTG-3'
Protein context (NP_653273.3, residues 1017-1037): IAAGLTKAEL[Arg1027Trp]MLDKDLMPYF